The following is an entry in ClinVar:

NM_001082486.2(ACD):c.1005del (p.Thr336fs)

Gene: ACD (ACD shelterin complex subunit and telomerase recruitment factor; minus strand). Cytogenetic location: 16q22.1.
Variant type: Deletion.
Coding change: c.1005del on transcript NM_001082486.2 (MANE Select); coding-DNA position 1005, one base deleted (T; older notation c.1005delT).
Protein change: p.Thr336fs; shifts the reading frame from threonine 336.
Molecular consequence: frameshift variant.
Genome position (GRCh38, 1-based): chr16:67,658,187, A deleted on the plus strand (T on the coding strand, the reverse complement: ACD is on the minus strand). VCF-style (leftmost placement, unchanged base first): chr16-67658186-TA-T. GRCh37 (hg19) VCF-style: chr16-67692089-TA-T.
Other names: c.918del, p.Thr307fs (NM_001410884.1); c.996del, p.Thr333fs (NM_022914.3); short protein forms T333fs, T307fs, T336fs.
Identifiers: ClinVar variation 4719905 (VCV004719905.1).

ClinVar aggregate classification (germline): Uncertain significance (1 of 4 stars; one submission).

Conditions:
Dyskeratosis congenita, autosomal dominant 6 (DKCA6). Identifiers: Orphanet 3322, MedGen C4225284, MONDO:0014690, OMIM 616553.

Submission:

Labcorp Genetics (formerly Invitae), Labcorp
Classification: Uncertain significance for Dyskeratosis congenita, autosomal dominant 6. Last evaluated: 2025-05-26. Review status: criteria provided, single submitter. Criteria: Invitae Variant Classification Sherloc (09022015). Collection method: clinical testing. Allele origin: germline.
Comment: This sequence change creates a premature translational stop signal (p.Thr422Profs*27) in the ACD gene. It is expected to result in an absent or disrupted protein product. However, the current clinical and genetic evidence is not sufficient to establish whether loss-of-function variants in ACD cause disease. This variant is not present in population databases (gnomAD no frequency). This variant has not been reported in the literature in individuals affected with ACD-related conditions. In summary, the available evidence is currently insufficient to determine the role of this variant in disease. Therefore, it has been classified as a Variant of Uncertain Significance.